The following is an entry in ClinVar:

NM_002485.5(NBN):c.897-5A>G

Gene: NBN (nibrin; minus strand). Cytogenetic location: 8q21.3.
Variant type: single nucleotide variant.
Coding change: c.897-5A>G on transcript NM_002485.5 (MANE Select); 5 bases into the intron before coding-DNA position 897, A replaced by G.
Molecular consequence: intron variant.
Genome position (GRCh38, 1-based): chr8:89,964,512, T>C on the plus strand (A>G on the coding strand, the complement: NBN is on the minus strand). VCF-style: chr8-89964512-T-C. GRCh37 (hg19) VCF-style: chr8-90976740-T-C.
Other names: c.651-5A>G (NM_001024688.3).
Identifiers: ClinVar variation 750125 (VCV000750125.13), dbSNP rs1586076321, ClinGen allele CA915945784.
Genomic context (GRCh38, chr8:89,964,512, plus strand): 5'-TCATGAAAATCACCGCCAATCCAATTTCTGCTTCAGGAATAGGTCTAAGACCTTGCCTAT[T>C]AGAATAAAATAGTTTAAGTATGATAATATATTAAAACTAGCAACTTTTATTCAGATAATG-3'

ClinVar aggregate classification (germline): Conflicting classifications of pathogenicity. Review status: criteria provided, conflicting classifications (1 of 4 stars). 2 submissions from 2 submitters: Uncertain significance (1); Likely benign (1). Last evaluated 2022-05-06.

Conditions:
Hereditary cancer-predisposing syndrome. Also called: Tumor predisposition; Hereditary Cancer Syndrome; Neoplastic Syndromes, Hereditary; Hereditary neoplastic syndrome. Identifiers: Orphanet 140162, MedGen C0027672, MeSH D009386, MONDO:0015356.
Microcephaly, normal intelligence and immunodeficiency (NBS). Also called: Nijmegen breakage syndrome; Microcephaly with normal intelligence immunodeficiency and lymphoreticular malignancies; Nonsyndromal microcephaly autosomal recessive with normal intelligence; Seemanova syndrome 2; IMMUNODEFICIENCY, MICROCEPHALY, AND CHROMOSOMAL INSTABILITY; Ataxia telangiectasia variant V1. Identifiers: Orphanet 647, MedGen C0398791, MONDO:0009623, OMIM 251260.

Allele frequency attached by ClinVar (database versions not stated): gnomAD exomes below 0.00001.

Submissions (2):

Ambry Genetics
Classification: Uncertain significance for Hereditary cancer-predisposing syndrome. Last evaluated: 2022-05-06. Review status: criteria provided, single submitter. Criteria: Ambry Variant Classification Scheme 2023. Collection method: clinical testing. Allele origin: germline.
Comment: The c.897-5A>G intronic variant results from an A to G substitution 5 nucleotides upstream from coding exon 8 in the NBN gene. This nucleotide position is not well conserved in available vertebrate species. In silico splice site analysis predicts that this alteration will not have any significant effect on splicing. Since supporting evidence is limited at this time, the clinical significance of this alteration remains unclear.

Labcorp Genetics (formerly Invitae), Labcorp
Classification: Likely benign for Microcephaly, normal intelligence and immunodeficiency. Last evaluated: 2021-12-05. Review status: criteria provided, single submitter. Criteria: Invitae Variant Classification Sherloc (09022015). Collection method: clinical testing. Allele origin: germline.